The following is an entry in ClinVar:

ClinVar aggregate classification (germline): Uncertain significance (1 of 4 stars; one submission).

gnomAD v4.1: 1 of 1,613,890 alleles (0.000062%); highest among the groups gnomAD compares: Non-Finnish European, 0.000085%; no homozygotes.

Submission:

GeneDx
Classification: Uncertain significance. Last evaluated: 2025-06-22. Review status: criteria provided, single submitter. Criteria: GeneDx Variant Classification Process June 2021. Collection method: clinical testing. Allele origin: germline. Affected: yes.
Comment: Not observed at significant frequency in large population cohorts (gnomAD); In silico analysis suggests that this missense variant does not alter protein structure/function; Has not been previously published as pathogenic or benign to our knowledge

NM_030632.3(ASXL3):c.2795G>A (p.Ser932Asn)

Gene: ASXL3 (ASXL transcriptional regulator 3; plus strand). Cytogenetic location: 18q12.1.
Variant type: single nucleotide variant.
Coding change: c.2795G>A on transcript NM_030632.3 (MANE Select); coding-DNA position 2795, G replaced by A.
Protein change: p.Ser932Asn; replaces serine 932 with asparagine.
Molecular consequence: missense variant.
Genome position (GRCh38, 1-based): chr18:33,740,199, G>A. VCF-style: chr18-33740199-G-A. GRCh37 (hg19) VCF-style: chr18-31320163-G-A.
Other names: short protein forms S932N.
Identifiers: ClinVar variation 4538816 (VCV004538816.1).